The following is an entry in ClinVar:

ClinVar aggregate classification (germline): Pathogenic (1 of 4 stars; one submission).

Conditions:
Mucopolysaccharidosis, MPS-III-B (MPS3B). Also called: N-ACETYL-ALPHA-D-GLUCOSAMINIDASE DEFICIENCY; NAGLU DEFICIENCY; SANFILIPPO SYNDROME B; MPS III B; Mucopolysaccharidosis type IIIB (Sanfilippo B); MUCOPOLYSACCHARIDOSIS, TYPE IIIB. Identifiers: Orphanet 79270, MedGen C0086648, MONDO:0009656, OMIM 252920.

Submission:

Myriad Genetics, Inc.
Classification: Pathogenic for Mucopolysaccharidosis, MPS-III-B. Last evaluated: 2025-11-12. Review status: criteria provided, single submitter. Criteria: Myriad Autosomal Dominant, Autosomal Recessive and X-Linked Classification Criteria (2023). Collection method: clinical testing. Allele origin: unknown.
Comment: NM_000263.3(NAGLU):c.2062delC(Q688Rfs*119) is a frameshift variant that results in protein elongation classified as pathogenic in the context of mucopolysaccharidosis type IIIB. Q688Rfs*119 has not been observed in cases with relevant disease. Relevant functional assessments of this variant are not available in the literature. Q688Rfs*119 has not been observed in referenced population frequency databases. In summary, NM_000263.3(NAGLU):c.2062delC(Q688Rfs*119) is a frameshift variant that results in protein elongation in a gene where loss of function is a known mechanism of disease and is predicted to disrupt protein function. Please note: this variant was assessed in the context of healthy population screening.

NM_000263.4(NAGLU):c.2062del (p.Gln688fs)

Gene: NAGLU (N-acetyl-alpha-glucosaminidase; plus strand). Cytogenetic location: 17q21.2.
Variant type: Deletion.
Coding change: c.2062del on transcript NM_000263.4 (MANE Select); coding-DNA position 2062, one base deleted (C; older notation c.2062delC).
Protein change: p.Gln688fs; shifts the reading frame from glutamine 688.
Molecular consequence: frameshift variant.
Genome position (GRCh38, 1-based): chr17:42,544,068, C deleted; the last of 3 consecutive C bases (chr17:42,544,066-42,544,068); deleting any one gives the same sequence. VCF-style (leftmost placement, unchanged base first): chr17-42544065-GC-G. GRCh37 (hg19) VCF-style: chr17-40696083-GC-G.
Other names: short protein forms Q688fs.
Identifiers: ClinVar variation 5004282 (VCV005004282.1).